The following is an entry in ClinVar:

NM_004304.5(ALK):c.332C>G (p.Thr111Ser)

Gene: ALK (ALK receptor tyrosine kinase; minus strand). Cytogenetic location: 2p23.1.
Variant type: single nucleotide variant.
Coding change: c.332C>G on transcript NM_004304.5 (MANE Select); coding-DNA position 332, C replaced by G.
Protein change: p.Thr111Ser; replaces threonine 111 with serine.
Molecular consequence: missense variant.
Genome position (GRCh38, 1-based): chr2:29,920,328, G>C on the plus strand (C>G on the coding strand, the complement: ALK is on the minus strand). VCF-style: chr2-29920328-G-C. GRCh37 (hg19) VCF-style: chr2-30143194-G-C.
Other names: short protein forms T111S.
Identifiers: ClinVar variation 2752858 (VCV002752858.3), dbSNP rs1667958706, ClinGen allele CA346590242.

ClinVar aggregate classification (germline): Uncertain significance (1 of 4 stars; one submission).

Conditions:
Neuroblastoma, susceptibility to, 3. Also called: ALK-Related Neuroblastic Tumor Susceptibility. Identifiers: Orphanet 635, MedGen C2751681, MONDO:0013083, OMIM 613014.

Submission:

Labcorp Genetics (formerly Invitae), Labcorp
Classification: Uncertain significance for Neuroblastoma, susceptibility to, 3. Last evaluated: 2025-06-22. Review status: criteria provided, single submitter. Criteria: Invitae Variant Classification Sherloc (09022015). Collection method: clinical testing. Allele origin: germline.
Comment: This sequence change replaces threonine, which is neutral and polar, with serine, which is neutral and polar, at codon 111 of the ALK protein (p.Thr111Ser). This variant is not present in population databases (gnomAD no frequency). This variant has not been reported in the literature in individuals affected with ALK-related conditions. ClinVar contains an entry for this variant (Variation ID: 2752858). An algorithm developed to predict the effect of missense changes on protein structure and function (PolyPhen-2) suggests that this variant is likely to be tolerated. In summary, the available evidence is currently insufficient to determine the role of this variant in disease. Therefore, it has been classified as a Variant of Uncertain Significance.